The following is an entry in ClinVar:

ClinVar aggregate classification (germline): Uncertain significance (1 of 4 stars; one submission).

Submission:

Labcorp Genetics (formerly Invitae), Labcorp
Classification: Uncertain significance. Last evaluated: 2024-01-19. Review status: criteria provided, single submitter. Criteria: Invitae Variant Classification Sherloc (09022015). Collection method: clinical testing. Allele origin: germline.
Comment: This sequence change replaces proline, which is neutral and non-polar, with arginine, which is basic and polar, at codon 572 of the COL9A2 protein (p.Pro572Arg). This variant is not present in population databases (gnomAD no frequency). This variant has not been reported in the literature in individuals affected with COL9A2-related conditions. ClinVar contains an entry for this variant (Variation ID: 1058831). Advanced modeling of protein sequence and biophysical properties (such as structural, functional, and spatial information, amino acid conservation, physicochemical variation, residue mobility, and thermodynamic stability) performed at Invitae indicates that this missense variant is not expected to disrupt COL9A2 protein function with a negative predictive value of 95%. In summary, the available evidence is currently insufficient to determine the role of this variant in disease. Therefore, it has been classified as a Variant of Uncertain Significance.

NM_001852.4(COL9A2):c.1715C>G (p.Pro572Arg)

Gene: COL9A2 (collagen type IX alpha 2 chain; minus strand). Cytogenetic location: 1p34.2.
Variant type: single nucleotide variant.
Coding change: c.1715C>G on transcript NM_001852.4 (MANE Select); coding-DNA position 1715, C replaced by G.
Protein change: p.Pro572Arg; replaces proline 572 with arginine.
Molecular consequence: missense variant.
Genome position (GRCh38, 1-based): chr1:40,302,698, G>C on the plus strand (C>G on the coding strand, the complement: COL9A2 is on the minus strand). VCF-style: chr1-40302698-G-C. GRCh37 (hg19) VCF-style: chr1-40768370-G-C.
Other names: short protein forms P572R.
Identifiers: ClinVar variation 1058831 (VCV001058831.9), dbSNP rs578013765, ClinGen allele CA339876189.